The following is an entry in ClinVar:

NM_001035.3(RYR2):c.102G>T (p.Lys34Asn)

Gene: RYR2 (ryanodine receptor 2; plus strand). Cytogenetic location: 1q43.
Variant type: single nucleotide variant.
Coding change: c.102G>T on transcript NM_001035.3 (MANE Select); coding-DNA position 102, G replaced by T.
Protein change: p.Lys34Asn; replaces lysine 34 with asparagine.
Molecular consequence: missense variant.
Genome position (GRCh38, 1-based): chr1:237,270,550, G>T. VCF-style: chr1-237270550-G-T. GRCh37 (hg19) VCF-style: chr1-237433850-G-T.
Other names: short protein forms K34N.
Identifiers: ClinVar variation 2813638 (VCV002813638.3), dbSNP rs1689577197, ClinGen allele CA345654377.

ClinVar aggregate classification (germline): Uncertain significance (1 of 4 stars; one submission).

Conditions:
Catecholaminergic polymorphic ventricular tachycardia 1. Also called: RYR2-Related Catecholaminergic Polymorphic Ventricular Tachycardia; VENTRICULAR TACHYCARDIA, CATECHOLAMINERGIC POLYMORPHIC, 1, WITH OR WITHOUT ATRIAL DYSFUNCTION AND/OR DILATED CARDIOMYOPATHY; VENTRICULAR TACHYCARDIA, STRESS-INDUCED POLYMORPHIC 1. Identifiers: Orphanet 3286, MedGen C1631597, MONDO:0011484, OMIM 604772.

Submission:

Labcorp Genetics (formerly Invitae), Labcorp
Classification: Uncertain significance for Catecholaminergic polymorphic ventricular tachycardia 1. Last evaluated: 2022-11-11. Review status: criteria provided, single submitter. Criteria: Invitae Variant Classification Sherloc (09022015). Collection method: clinical testing. Allele origin: germline.
Comment: This variant has not been reported in the literature in individuals affected with RYR2-related conditions. Advanced modeling of protein sequence and biophysical properties (such as structural, functional, and spatial information, amino acid conservation, physicochemical variation, residue mobility, and thermodynamic stability) performed at Invitae indicates that this missense variant is expected to disrupt RYR2 protein function. In summary, the available evidence is currently insufficient to determine the role of this variant in disease. Therefore, it has been classified as a Variant of Uncertain Significance. This variant is not present in population databases (gnomAD no frequency). This sequence change replaces lysine, which is basic and polar, with asparagine, which is neutral and polar, at codon 34 of the RYR2 protein (p.Lys34Asn).